The following is an entry in ClinVar:

ClinVar aggregate classification (germline): Uncertain significance. Review status: criteria provided, multiple submitters, no conflicts (2 of 4 stars). 2 submissions from 2 submitters: Uncertain significance (2). Last evaluated 2022-09-28.

Conditions:
Inborn genetic diseases. Identifiers: MedGen C0950123, MeSH D030342.

Allele frequency attached by ClinVar (database versions not stated): gnomAD exomes below 0.00001.

Submissions (2):

Ambry Genetics
Classification: Uncertain significance for Inborn genetic diseases. Last evaluated: 2022-09-28. Review status: criteria provided, single submitter. Criteria: Ambry Variant Classification Scheme 2023. Collection method: clinical testing. Allele origin: germline.

Labcorp Genetics (formerly Invitae), Labcorp
Classification: Uncertain significance. Last evaluated: 2022-08-20. Review status: criteria provided, single submitter. Criteria: Invitae Variant Classification Sherloc (09022015). Collection method: clinical testing. Allele origin: germline.
Comment: In summary, the available evidence is currently insufficient to determine the role of this variant in disease. Therefore, it has been classified as a Variant of Uncertain Significance. Algorithms developed to predict the effect of missense changes on protein structure and function output the following: SIFT: "Tolerated"; PolyPhen-2: "Benign"; Align-GVGD: "Class C0". The threonine amino acid residue is found in multiple mammalian species, which suggests that this missense change does not adversely affect protein function. This variant has not been reported in the literature in individuals affected with PLVAP-related conditions. This variant is not present in population databases (gnomAD no frequency). This sequence change replaces proline, which is neutral and non-polar, with threonine, which is neutral and polar, at codon 396 of the PLVAP protein (p.Pro396Thr).

NM_031310.3(PLVAP):c.1186C>A (p.Pro396Thr)

Gene: PLVAP (plasmalemma vesicle associated protein; minus strand). Cytogenetic location: 19p13.11.
Variant type: single nucleotide variant.
Coding change: c.1186C>A on transcript NM_031310.3 (MANE Select); coding-DNA position 1186, C replaced by A.
Protein change: p.Pro396Thr; replaces proline 396 with threonine.
Molecular consequence: missense variant.
Genome position (GRCh38, 1-based): chr19:17,360,826, G>T on the plus strand (C>A on the coding strand, the complement: PLVAP is on the minus strand). VCF-style: chr19-17360826-G-T. GRCh37 (hg19) VCF-style: chr19-17471635-G-T.
Other names: short protein forms P396T.
Identifiers: ClinVar variation 2090954 (VCV002090954.4), dbSNP rs780126194, ClinGen allele CA404669655.